The following is an entry in ClinVar:

NM_014014.5(SNRNP200):c.3378G>T (p.Met1126Ile)

Gene: SNRNP200 (small nuclear ribonucleoprotein U5 subunit 200; minus strand). Cytogenetic location: 2q11.2.
Variant type: single nucleotide variant.
Coding change: c.3378G>T on transcript NM_014014.5 (MANE Select); coding-DNA position 3378, G replaced by T.
Protein change: p.Met1126Ile; replaces methionine 1126 with isoleucine.
Molecular consequence: missense variant.
Genome position (GRCh38, 1-based): chr2:96,287,545, C>A on the plus strand (G>T on the coding strand, the complement: SNRNP200 is on the minus strand). VCF-style: chr2-96287545-C-A. GRCh37 (hg19) VCF-style: chr2-96953283-C-A.
Other names: short protein forms M1126I.
Identifiers: ClinVar variation 2874533 (VCV002874533.3), dbSNP rs2467330120, ClinGen allele CA347672798.
Genomic context (GRCh38, chr2:96,287,545, plus strand): 5'-CTTCTTCTCAATCTTCTTCACTACTTCCTCAGGGAGTTTCCGGAACTGGCGCAGAGGACA[C>A]ATGGACTGCCACCTATCCAGGAAGGAGGCAAAGCTGTTGGTCCCTTCTGCAGGGATGTGA-3'
Protein context (NP_054733.2, residues 1116-1136): KMIDKRMWQS[Met1126Ile]CPLRQFRKLP

ClinVar aggregate classification (germline): Uncertain significance (1 of 4 stars; one submission).

Submission:

Labcorp Genetics (formerly Invitae), Labcorp
Classification: Uncertain significance. Last evaluated: 2022-12-16. Review status: criteria provided, single submitter. Criteria: Invitae Variant Classification Sherloc (09022015). Collection method: clinical testing. Allele origin: germline.
Comment: This variant is not present in population databases (gnomAD no frequency). This sequence change replaces methionine, which is neutral and non-polar, with isoleucine, which is neutral and non-polar, at codon 1126 of the SNRNP200 protein (p.Met1126Ile). This variant has not been reported in the literature in individuals affected with SNRNP200-related conditions. Advanced modeling of protein sequence and biophysical properties (such as structural, functional, and spatial information, amino acid conservation, physicochemical variation, residue mobility, and thermodynamic stability) performed at Invitae indicates that this missense variant is expected to disrupt SNRNP200 protein function. In summary, the available evidence is currently insufficient to determine the role of this variant in disease. Therefore, it has been classified as a Variant of Uncertain Significance.